The following is an entry in ClinVar:

ClinVar aggregate classification (germline): Likely benign (0 of 4 stars; one submission).

Conditions:
MAP1B-related disorder. Also called: MAP1B-related condition.

Allele frequency attached by ClinVar (database versions not stated): TOPMed 0.00001; ExAC 0.00002; gnomAD exomes 0.00002.
gnomAD v4.1: 28 of 1,614,090 alleles (0.0017%); highest among the groups gnomAD compares: South Asian, 0.0066%; no homozygotes.

Submission:

PreventionGenetics, part of Exact Sciences
Classification: Likely benign for MAP1B-related condition. Last evaluated: 2022-04-26. Review status: no assertion criteria provided. Collection method: clinical testing. Allele origin: germline.
Comment: This variant is classified as likely benign based on ACMG/AMP sequence variant interpretation guidelines (Richards et al. 2015 PMID: 25741868, with internal and published modifications).

NM_005909.5(MAP1B):c.2544C>T (p.Val848=)

Gene: MAP1B (microtubule associated protein 1B; plus strand). Cytogenetic location: 5q13.2.
Variant type: single nucleotide variant.
Coding change: c.2544C>T on transcript NM_005909.5 (MANE Select); coding-DNA position 2544, C replaced by T.
Protein change: p.Val848=; no amino-acid change (valine 848 retained).
Molecular consequence: synonymous variant.
Genome position (GRCh38, 1-based): chr5:72,195,899, C>T. VCF-style: chr5-72195899-C-T. GRCh37 (hg19) VCF-style: chr5-71491726-C-T.
Other names: c.2166C>T, p.Val722= (NM_001324255.2).
Identifiers: ClinVar variation 3029234 (VCV003029234.2), dbSNP rs746451505, ClinGen allele CA3298840.
Genomic context (GRCh38, chr5:72,195,899, plus strand): 5'-CCTTATGTCATCTCCTGAGGATCTAACCAAGGACTTTGAAGAGTTAAAGGCTGAAGAGGT[C>T]GATGTAACAAAGGACATCAAGCCTCAGCTGGAGCTAATCGAAGACGAAGAGAAACTGAAG-3'
Protein context (NP_005900.2, residues 838-858): KDFEELKAEE[Val848=]DVTKDIKPQL